The following is an entry in ClinVar:

NC_000009.11:g.(?_6550783)_(6610376_?)dup

Gene: GLDC (glycine decarboxylase; minus strand). Cytogenetic location: 9p24.1.
Variant type: Duplication.
Identifiers: ClinVar variation 3245162 (VCV003245162.1).

ClinVar aggregate classification (germline): Likely pathogenic (1 of 4 stars; one submission).

Conditions:
Glycine encephalopathy. Also called: Nonketotic hyperglycinemia; Non-ketotic hyperglycinemia. Identifiers: Orphanet 407, MedGen C0751748, MONDO:0011612, HP:0008288.

Submission:

Labcorp Genetics (formerly Invitae), Labcorp
Classification: Likely pathogenic for Glycine encephalopathy. Last evaluated: 2023-05-30. Review status: criteria provided, single submitter. Criteria: Invitae Variant Classification Sherloc (09022015). Collection method: clinical testing. Allele origin: unknown.
Comment: In summary, the currently available evidence indicates that the variant is pathogenic, but additional data are needed to prove that conclusively. Therefore, this variant has been classified as Likely Pathogenic. This variant has not been reported in the literature in individuals affected with GLDC-related conditions. This variant results in a copy number gain of the genomic region encompassing exon(s) 4-21 of the GLDC gene. While the exact position of this variant cannot be determined from the data, sub-genic copy number gains are generally in tandem (PMID: 25640679). This variant is predicted to be out-of-frame, and may result in an absent or disrupted protein product. Loss-of-function variants in GLDC are known to be pathogenic (PMID: 16601880).

Literature cited by the submitters: PubMed 25640679; PubMed 16601880.